The following is an entry in ClinVar:

NM_006618.5(KDM5B):c.4207del (p.Ile1403fs)

Gene: KDM5B (lysine demethylase 5B; minus strand). Cytogenetic location: 1q32.1.
Variant type: Deletion.
Coding change: c.4207del on transcript NM_006618.5 (MANE Select); coding-DNA position 4207, one base deleted (A; older notation c.4207delA).
Protein change: p.Ile1403fs; shifts the reading frame from isoleucine 1403.
Molecular consequence: frameshift variant.
Genome position (GRCh38, 1-based): chr1:202,729,997, T deleted on the plus strand (A on the coding strand, the reverse complement: KDM5B is on the minus strand); the first of 2 consecutive T bases (chr1:202,729,997-202,729,998); deleting either gives the same sequence. VCF-style (leftmost placement, unchanged base first): chr1-202729996-AT-A. GRCh37 (hg19) VCF-style: chr1-202699124-AT-A.
Other names: c.4315del, p.Ile1439fs (NM_001314042.2); c.4072del, p.Ile1358fs (NM_001347591.2); c.4192del, p.Ile1398fs (NM_001399817.1); short protein forms I1358fs, I1403fs, I1439fs, I1398fs.
Identifiers: ClinVar variation 1307726 (VCV001307726.3), dbSNP rs2102208184, ClinGen allele CA2573051464.
Genomic context (GRCh38, chr1:202,729,996, plus strand): 5'-CGCTCACTGGAGAGGCCCTCTCTTTCCAGGCGTCTCTTCAGTTTTCTCTCAAGACTGTTA[AT>A]TCCATCTCGCTTCCCTCGGCAACAGTCATTCTGGGTGGAAGATAGGAAAGTTCAATTTTC-3'

ClinVar aggregate classification (germline): Uncertain significance (1 of 4 stars; one submission).

Submission:

GeneDx
Classification: Uncertain significance. Last evaluated: 2019-08-01. Review status: criteria provided, single submitter. Criteria: GeneDx Variant Classification Process June 2021. Collection method: clinical testing. Allele origin: germline. Affected: yes.
Comment: Not observed in large population cohorts (Lek et al., 2016); Frameshift variant predicted to result in protein truncation or nonsense mediated decay in a gene for which loss-of-function is not a known mechanism of disease; Has not been previously published as pathogenic or benign to our knowledge